The following is an entry in ClinVar:

ClinVar aggregate classification (germline): Uncertain significance. Review status: criteria provided, multiple submitters, no conflicts (2 of 4 stars). 2 submissions from 2 submitters: Uncertain significance (2). Last evaluated 2023-12-02.

Conditions:
Long QT syndrome (LQTS). Identifiers: MedGen C0023976, MeSH D008133, MONDO:0002442. Disease mechanism: loss of function. Inheritance: Various modes of inheritance.
Cardiovascular phenotype. Identifiers: MedGen CN230736.

gnomAD v4.1: 19 of 1,589,304 alleles (0.0012%); highest among the groups gnomAD compares: Admixed American, 0.0017%; no homozygotes.

Submissions (2):

Labcorp Genetics (formerly Invitae), Labcorp
Classification: Uncertain significance for Long QT syndrome. Last evaluated: 2023-12-02. Review status: criteria provided, single submitter. Criteria: Invitae Variant Classification Sherloc (09022015). Collection method: clinical testing. Allele origin: germline.
Comment: This sequence change replaces leucine, which is neutral and non-polar, with phenylalanine, which is neutral and non-polar, at codon 1270 of the AKAP9 protein (p.Leu1270Phe). This variant is present in population databases (no rsID available, gnomAD 0.004%). This variant has not been reported in the literature in individuals affected with AKAP9-related conditions. ClinVar contains an entry for this variant (Variation ID: 2197982). An algorithm developed to predict the effect of missense changes on protein structure and function (PolyPhen-2) suggests that this variant is likely to be disruptive. In summary, the available evidence is currently insufficient to determine the role of this variant in disease. Therefore, it has been classified as a Variant of Uncertain Significance.

Ambry Genetics
Classification: Uncertain significance for Cardiovascular phenotype. Last evaluated: 2023-05-11. Review status: criteria provided, single submitter. Criteria: Ambry Variant Classification Scheme 2023. Collection method: clinical testing. Allele origin: germline.
Comment: The p.L1270F variant (also known as c.3808C>T), located in coding exon 12 of the AKAP9 gene, results from a C to T substitution at nucleotide position 3808. The leucine at codon 1270 is replaced by phenylalanine, an amino acid with highly similar properties. This amino acid position is conserved. In addition, this alteration is predicted to be tolerated by in silico analysis. Since supporting evidence is limited at this time, the clinical significance of this alteration remains unclear.

NM_005751.5(AKAP9):c.3808C>T (p.Leu1270Phe)

Gene: AKAP9 (A-kinase anchoring protein 9; plus strand). Cytogenetic location: 7q21.2.
Variant type: single nucleotide variant.
Coding change: c.3808C>T on transcript NM_005751.5 (MANE Select); coding-DNA position 3808, C replaced by T.
Protein change: p.Leu1270Phe; replaces leucine 1270 with phenylalanine.
Molecular consequence: missense variant.
Genome position (GRCh38, 1-based): chr7:92,017,073, C>T. VCF-style: chr7-92017073-C-T. GRCh37 (hg19) VCF-style: chr7-91646387-C-T.
Other names: c.3808C>T, p.Leu1270Phe (NM_147185.3); short protein forms L1270F.
Identifiers: ClinVar variation 2197982 (VCV002197982.6), dbSNP rs1391373531, ClinGen allele CA368127294.
Genomic context (GRCh38, chr7:92,017,073, plus strand): 5'-CCAGACTTTCAAGAAAATATGCACACTCTTCTCAACAAAGTAACAGAAGAATACAACAAA[C>T]TCTTGGTACTTCAAACACGACTAAGCAAGGTCTGTGAGATGGAAAATATATTGTAATATT-3'
Protein context (NP_005742.4, residues 1260-1280): LNKVTEEYNK[Leu1270Phe]LVLQTRLSKI